The following is an entry in ClinVar:

NM_006785.4(MALT1):c.542A>G (p.His181Arg)

Gene: MALT1 (MALT1 paracaspase; plus strand). Cytogenetic location: 18q21.32.
Variant type: single nucleotide variant.
Coding change: c.542A>G on transcript NM_006785.4 (MANE Select); coding-DNA position 542, A replaced by G.
Protein change: p.His181Arg; replaces histidine 181 with arginine.
Molecular consequence: missense variant.
Genome position (GRCh38, 1-based): chr18:58,700,484, A>G. VCF-style: chr18-58700484-A-G. GRCh37 (hg19) VCF-style: chr18-56367716-A-G.
Other names: c.542A>G, p.His181Arg (NM_173844.3); short protein forms H181R.
Identifiers: ClinVar variation 2150827 (VCV002150827.4), dbSNP rs1311825444, ClinGen allele CA402572794.

ClinVar aggregate classification (germline): Uncertain significance (1 of 4 stars; one submission).

Conditions:
Combined immunodeficiency due to MALT1 deficiency. Also called: Immunodeficiency 12. Identifiers: Orphanet 397964, MedGen C3809583, MONDO:0014197, OMIM 615468.

Allele frequency attached by ClinVar (database versions not stated): gnomAD exomes below 0.00001.
gnomAD v4.1: 1 of 1,610,812 alleles (0.000062%); highest among the groups gnomAD compares: Admixed American, 0.0017%; no homozygotes.

Submission:

Labcorp Genetics (formerly Invitae), Labcorp
Classification: Uncertain significance for Combined immunodeficiency due to MALT1 deficiency. Last evaluated: 2022-01-27. Review status: criteria provided, single submitter. Criteria: Invitae Variant Classification Sherloc (09022015). Collection method: clinical testing. Allele origin: germline.
Comment: In summary, the available evidence is currently insufficient to determine the role of this variant in disease. Therefore, it has been classified as a Variant of Uncertain Significance. Algorithms developed to predict the effect of missense changes on protein structure and function (SIFT, PolyPhen-2, Align-GVGD) all suggest that this variant is likely to be tolerated. This variant has not been reported in the literature in individuals affected with MALT1-related conditions. This variant is present in population databases (no rsID available, gnomAD 0.003%). This sequence change replaces histidine, which is basic and polar, with arginine, which is basic and polar, at codon 181 of the MALT1 protein (p.His181Arg).